The following is an entry in ClinVar:

NM_174936.4(PCSK9):c.1020T>C (p.Asn340=)

Gene: PCSK9 (proprotein convertase subtilisin/kexin type 9; plus strand). Cytogenetic location: 1p32.3.
Variant type: single nucleotide variant.
Coding change: c.1020T>C on transcript NM_174936.4 (MANE Select); coding-DNA position 1020, T replaced by C.
Protein change: p.Asn340=; no amino-acid change (asparagine 340 retained).
Molecular consequence: synonymous variant. On other transcripts: non-coding transcript variant (7).
Genome position (GRCh38, 1-based): chr1:55,057,354, T>C. VCF-style: chr1-55057354-T-C. GRCh37 (hg19) VCF-style: chr1-55523027-T-C.
Other names: c.1143T>C, p.Asn381= (NM_001407240.1); c.1020T>C, p.Asn340= (NM_001407241.1, NM_001407244.1, NM_001407247.1); c.1023T>C, p.Asn341= (NM_001407242.1); c.963T>C, p.Asn321= (NM_001407243.1); c.828T>C, p.Asn276= (NM_001407245.1); c.645T>C, p.Asn215= (NM_001407246.1).
Identifiers: ClinVar variation 630156 (VCV000630156.21), dbSNP rs769782435, ClinGen allele CA034672.

ClinVar aggregate classification (germline): Benign/Likely benign. Review status: criteria provided, multiple submitters, no conflicts (2 of 4 stars). 7 submissions from 7 submitters: Benign (1); Likely benign (6). Last evaluated 2025-12-15.

Conditions:
Hypercholesterolemia, autosomal dominant, 3 (FHCL3). Also called: Familial Hypercholesterolemia, Autosomal Dominant, 3; PCSK9-Related Familial Hypercholesterolemia, Autosomal Dominant; Familial hypercholesterolemia 3. Identifiers: MedGen C1863551, MONDO:0011369, OMIM 603776.
Familial hypercholesterolemia. Also called: Familial hypercholesterolemias; Familial hypercholesterolaemia. Identifiers: MedGen C0020445, MONDO:0005439.
Cardiovascular phenotype. Identifiers: MedGen CN230736.

Allele frequency attached by ClinVar (database versions not stated): ExAC 0.00002; gnomAD exomes 0.00004 and 0.00005; TOPMed 0.00004; gnomAD 0.00005 and 0.00006.
gnomAD v4.1: 81 of 1,613,806 alleles (0.005%); highest among the groups gnomAD compares: Non-Finnish European, 0.0068%; no homozygotes.

Submissions (7):

Women's Health and Genetics/Laboratory Corporation of America, LabCorp
Classification: Benign. Last evaluated: 2025-12-15. Review status: criteria provided, single submitter. Criteria: LabCorp Variant Classification Summary - May 2015. Collection method: clinical testing. Allele origin: germline.

Labcorp Genetics (formerly Invitae), Labcorp
Classification: Likely benign for Hypercholesterolemia, autosomal dominant, 3. Last evaluated: 2025-12-09. Review status: criteria provided, single submitter. Criteria: Invitae Variant Classification Sherloc (09022015). Collection method: clinical testing. Allele origin: germline.

All of Us Research Program, National Institutes of Health
Classification: Likely benign for Hypercholesterolemia, autosomal dominant, 3. Last evaluated: 2023-12-01. Review status: criteria provided, single submitter. Criteria: ACMG Guidelines, 2015. Collection method: clinical testing. Allele origin: germline. Inheritance: Autosomal dominant inheritance. Observed: 14 variant alleles, 14 heterozygotes.
Comment: This study involves interpretation of variants in research participants for the purpose of population health screening. Participant phenotype was not available at the time of variant classification. Additional details can be found in publication PMID: 35346344, PMCID: PMC8962531

GENinCode PLC
Classification: Likely benign for Familial hypercholesterolemia. Last evaluated: 2023-07-25. Review status: criteria provided, single submitter. Criteria: ACMG Guidelines, 2015. Collection method: clinical testing. Allele origin: germline.
Comment: This is a synonymous (silent) variant that is not predicted by SpliceAI to impact splicing. In addition, it occurs at a nucleotide that is not conserved. Therefore this variant has been classified as Likely Benign (BP4, BP7).

Ambry Genetics
Classification: Likely benign for Cardiovascular phenotype. Last evaluated: 2020-06-29. Review status: criteria provided, single submitter. Criteria: Ambry Variant Classification Scheme 2023. Collection method: clinical testing. Allele origin: germline.

Quest Diagnostics Nichols Institute San Juan Capistrano
Classification: Likely benign. Last evaluated: 2019-05-15. Review status: criteria provided, single submitter. Criteria: Quest Diagnostics criteria. Collection method: clinical testing. Allele origin: germline.

Color Diagnostics, LLC DBA Color Health
Classification: Likely benign for Familial hypercholesterolemias. Last evaluated: 2018-09-29. Review status: criteria provided, single submitter. Criteria: ACMG Guidelines, 2015. Collection method: clinical testing. Allele origin: germline.